The following is an entry in ClinVar:

NM_001927.4(DES):c.735G>C (p.Glu245Asp)

Gene: DES (desmin; plus strand). Cytogenetic location: 2q35.
Variant type: single nucleotide variant.
Coding change: c.735G>C on transcript NM_001927.4 (MANE Select); coding-DNA position 735, G replaced by C.
Protein change: p.Glu245Asp; replaces glutamic acid 245 with aspartic acid.
Molecular consequence: missense variant.
Genome position (GRCh38, 1-based): chr2:219,420,346, G>C. VCF-style: chr2-219420346-G-C. GRCh37 (hg19) VCF-style: chr2-220285068-G-C.
Other names: c.735G>C (LRG_380t1); short protein forms E245D.
Identifiers: ClinVar variation 66420 (VCV000066420.12), dbSNP rs267607486, ClinGen allele CA217085.

ClinVar aggregate classification (germline): Pathogenic/Likely pathogenic. Review status: criteria provided, multiple submitters, no conflicts (2 of 4 stars). 7 submissions from 7 submitters: Pathogenic (4); Likely pathogenic (2). 1 of the submissions does not count toward it. Last evaluated 2024-08-26.

Conditions:
Desmin-related myofibrillar myopathy (MFM1). Also called: Desminopathy; Desmin related myopathy (former name); Desmin storage myopathy (former name); MYOFIBRILLAR MYOPATHY WITH ARRHYTHMOGENIC RIGHT VENTRICULAR CARDIOMYOPATHY; DESMIN-RELATED MYOPATHY WITH ARRHYTHMOGENIC RIGHT VENTRICULAR CARDIOMYOPATHY; Myofibrillar myopathy 1. Identifiers: Orphanet 363543, Orphanet 98909, MedGen C1832370, MONDO:0011076, OMIM 601419.
Dilated cardiomyopathy 1I (CMD1I). Identifiers: Orphanet 154, MedGen C1858154, MONDO:0011482, OMIM 604765.

Submissions (7):

KardioGenetik, Herz- und Diabeteszentrum NRW
Classification: Pathogenic for Dilated cardiomyopathy 1I. Last evaluated: 2024-08-26. Review status: criteria provided, single submitter. Criteria: ACMG Guidelines, 2015. Collection method: clinical testing. Allele origin: unknown. Observed: 1 variant allele.
Comment: PM2supp, PVS1_strong, PS3mod, PS4mod, PP1supp

Human Genetics Bochum, Ruhr University Bochum
Classification: Pathogenic for Dilated cardiomyopathy 1I. Last evaluated: 2024-07-24. Review status: criteria provided, single submitter. Criteria: ACMG Guidelines, 2015. Collection method: clinical testing. Allele origin: germline. Affected: yes.
Comment: ACMG criteria used to clasify this variant: PVS1_STR, PP3_STR, PM5, PS4_SUP, PM1_SUP, PM2_SUP, PP2

Revvity Omics, Revvity
Classification: Pathogenic. Last evaluated: 2024-02-20. Review status: criteria provided, single submitter. Criteria: ACMG Guidelines, 2015. Collection method: clinical testing. Allele origin: germline.

Institute of Human Genetics, University of Leipzig Medical Center
Classification: Likely pathogenic for Dilated cardiomyopathy 1I. Last evaluated: 2022-03-14. Review status: criteria provided, single submitter. Criteria: ACMG Guidelines, 2015. Collection method: clinical testing. Allele origin: unknown. Affected: yes.
Comment: _x000D_ Criteria applied: PVS1_STR, PS3_SUP, PS4_SUP, PM2_SUP, PP3

Eurofins Ntd Llc (ga)
Classification: Pathogenic. Last evaluated: 2016-03-10. Review status: criteria provided, single submitter. Criteria: EGL Classification Definitions 2015. Collection method: clinical testing. Allele origin: germline. Observed: 1 variant allele, 1 heterozygote.

Neuberg Centre For Genomic Medicine, NCGM
Classification: Likely pathogenic for Desmin-related myofibrillar myopathy. Review status: criteria provided, single submitter. Criteria: ACMG Guidelines, 2015. Collection method: clinical testing. Allele origin: germline. Affected: yes.
Comment: The missense variant p.E245D in DES (NM_001927.4) has been previously reported in heterozygous state in affected patients (Vrabie A et al, 2005). The p.E245D variant is novel (not in any individuals) in gnomAD Exomes and is novel (not in any individuals) in 1000 Genomes. The p.E245D variant is present at the splice site and is predicted to disrupt splicing by all splice site algorithms. The p.E245D missense variant is predicted to be damaging by both SIFT and PolyPhen2. The glutamic acid residue at codon 245 of DES is conserved in all mammalian species. The nucleotide c.735 in DES is predicted conserved by GERP++ and PhyloP across 100 vertebrates. For these reasons, this variant has been classified as Likely Pathogenic

Epithelial Biology;  Institute of Medical Biology, Singapore
No classification provided. Review status: no classification provided. Collection method: not provided. Allele origin: not provided. Not counted in ClinVar's aggregate classification.

Literature cited by the submitters: PubMed 19105189 (cited by Human Genetics Bochum, Ruhr University Bochum and Eurofins Ntd Llc (ga)); PubMed 22153487 (cited by Human Genetics Bochum, Ruhr University Bochum); PubMed 34680517 (cited by Human Genetics Bochum, Ruhr University Bochum).